The following is an entry in ClinVar:

ClinVar aggregate classification (germline): Uncertain significance (1 of 4 stars; one submission).

Submission:

CeGaT Center for Human Genetics Tuebingen
Classification: Uncertain significance. Last evaluated: 2022-11-01. Review status: criteria provided, single submitter. Criteria: CeGaT Center For Human Genetics Tuebingen Variant Classification Criteria Version 2. Collection method: clinical testing. Allele origin: germline. Affected: yes. Observed: 1 variant allele.
Comment: SMARCA2: PM2

NM_003070.5(SMARCA2):c.4471G>C (p.Asp1491His)

Gene: SMARCA2 (SWI/SNF related BAF chromatin remodeling complex subunit ATPase 2; plus strand). Cytogenetic location: 9p24.3.
Variant type: single nucleotide variant.
Coding change: c.4471G>C on transcript NM_003070.5 (MANE Select); coding-DNA position 4471, G replaced by C.
Protein change: p.Asp1491His; replaces aspartic acid 1491 with histidine.
Molecular consequence: missense variant.
Genome position (GRCh38, 1-based): chr9:2,186,105, G>C. VCF-style: chr9-2186105-G-C. GRCh37 (hg19) VCF-style: chr9-2186105-G-C.
Other names: c.4471G>C, p.Asp1491His (NM_001289396.2); c.4243G>C, p.Asp1415His (NM_001289397.2); c.445G>C, p.Asp149His (NM_001289398.2); c.529G>C, p.Asp177His (NM_001289399.2); c.535G>C, p.Asp179His (NM_001289400.2); c.4417G>C, p.Asp1473His (NM_139045.4); short protein forms D1415H, D1473H, D1491H, D149H, D177H, D179H.
Identifiers: ClinVar variation 1879730 (VCV001879730.28), dbSNP rs1827432636, ClinGen allele CA372791034.